The following is an entry in ClinVar:

ClinVar aggregate classification (germline): Pathogenic (1 of 4 stars; one submission).

Conditions:
Age related macular degeneration 4. Identifiers: MedGen C1853147, MONDO:0012540, OMIM 610698.
Basal laminar drusen. Also called: DRUSEN OF BRUCH MEMBRANE; DRUSEN, CUTICULAR; DRUSEN, EARLY ADULT-ONSET, GROUPED. Identifiers: Orphanet 75376, MedGen C0730295, MONDO:0007472, OMIM 126700.

Submission:

Genomenon, Inc
Classification: Pathogenic for Age related macular degeneration 4; Basal laminar drusen. Last evaluated: 2026-09-17. Review status: criteria provided, single submitter. Criteria: Genomenon Sequence Variant Interpretation Standards - Updated. Collection method: curation. Allele origin: germline. Affected: yes.
Comment: CFH p.Ile184LeufsTer33 (c.550del) is a frameshift variant that is predicted to introduce a premature termination codon and result in a truncated or absent protein product. This variant has been observed in at least one proband affected with a CFH-related disorder (PMID: 34508573; 22491393; 36246952). The variant was found to segregate with disease in at least one affected family (PMID: 22491393; 36246952). Functional studies have been reported (PMID: 39753135; 34508573). It is absent or not present at a significant frequency in gnomAD. In conclusion, we classify CFH p.Ile184LeufsTer33 (c.550del) as a pathogenic variant.

Literature cited by the submitters: PubMed 34508573; PubMed 22491393; PubMed 36246952; PubMed 39753135.

NM_000186.4(CFH):c.550del (p.Ile184fs)

Gene: CFH (complement factor H; plus strand). Cytogenetic location: 1q31.3.
Variant type: Deletion.
Coding change: c.550del on transcript NM_000186.4 (MANE Select); coding-DNA position 550, one base deleted (A; older notation c.550delA).
Protein change: p.Ile184fs; shifts the reading frame from isoleucine 184.
Molecular consequence: frameshift variant.
Genome position (GRCh38, 1-based): chr1:196,677,598, A deleted. VCF-style (leftmost placement, unchanged base first): chr1-196677597-GA-G. GRCh37 (hg19) VCF-style: chr1-196646727-GA-G.
Other names: c.550del, p.Ile184fs (NM_001014975.3); short protein forms I184fs.
Identifiers: ClinVar variation 4291295 (VCV004291295.2).